The following is an entry in ClinVar:

ClinVar aggregate classification (germline): Likely pathogenic (1 of 4 stars; one submission).

Conditions:
Bifunctional peroxisomal enzyme deficiency (DBIF). Also called: DBP DEFICIENCY; PBFE DEFICIENCY; D-bifunctional protein deficiency. Identifiers: Orphanet 300, MedGen C0342870, MONDO:0009855, OMIM 261515. Disease mechanism: loss of function.

Submission:

Natera, Inc.
Classification: Likely pathogenic for Bifunctional peroxisomal enzyme deficiency. Last evaluated: 2025-07-29. Review status: criteria provided, single submitter. Criteria: Natera Variant Classification Schema (03/2026). Collection method: clinical testing. Allele origin: germline.
Comment: The c.463_475delinsTGAAGCTATAA variant in HSD17B4 is a frameshift variant predicted to shift the reading frame and introduce a stop codon. This variant is expected to result in nonsense mediated decay, truncation, or a dysfunctional protein product. This variant is rare in the general population with a frequency below the threshold expected for the associated phenotype(s). Given the available evidence, this variant is classified as Likely Pathogenic.

NM_000414.4(HSD17B4):c.463_475delinsTGAAGCTATAA (p.Ile155_Phe159delinsTer)

Gene: HSD17B4 (hydroxysteroid 17-beta dehydrogenase 4; plus strand). Cytogenetic location: 5q23.1.
Variant type: Indel.
Coding change: c.463_475delinsTGAAGCTATAA on transcript NM_000414.4 (MANE Select); coding-DNA positions 463 to 475, ATATATGGCAACT replaced by TGAAGCTATAA.
Protein change: p.Ile155_Phe159delinsTer.
Molecular consequence: nonsense. On other transcripts: non-coding transcript variant (2).
Genome position (GRCh38, 1-based): chr5:119,478,862-119,478,874, ATATATGGCAACT replaced by TGAAGCTATAA. VCF-style: chr5-119478862-ATATATGGCAACT-TGAAGCTATAA. GRCh37 (hg19) VCF-style: chr5-118814557-ATATATGGCAACT-TGAAGCTATAA.
Other names: c.538_550delinsTGAAGCTATAA, p.Ile180_Phe184delinsTer (NM_001199291.3); c.409_421delinsTGAAGCTATAA, p.Ile137_Phe141delinsTer (NM_001199292.2); c.391_403delinsTGAAGCTATAA, p.Ile131_Phe135delinsTer (NM_001292027.2); c.43_55delinsTGAAGCTATAA, p.Ile15_Phe19delinsTer (NM_001292028.2); c.454_466delinsTGAAGCTATAA, p.Ile152_Phe156delinsTer (NM_001374497.1); c.463_475delinsTGAAGCTATAA, p.Ile155_Phe159delinsTer (NM_001374498.1); c.136_148delinsTGAAGCTATAA, p.Ile46_Phe50delinsTer (NM_001374499.1); c.22_34delinsTGAAGCTATAA, p.Ile8_Phe12delinsTer (NM_001374500.1); and 1 more.
Identifiers: ClinVar variation 4818354 (VCV004818354.1).
Genomic context (GRCh38, chr5:119,478,862, plus strand): 5'-AGATGATATTGAGAGATTGATTTTCTTTTTAGGATTATTATGACTTCATCAGCTTCAGGA[ATATATGGCAACT>TGAAGCTATAA]TTGGCCAGGCCAATTATAGTGCTGCAAAGTTGGGTCTTCTGGGCCTTGCAAATTCTCTTG-3'